The following is an entry in ClinVar:

NM_003579.4(RAD54L):c.758A>G (p.Gln253Arg)

Gene: RAD54L (RAD54 like; plus strand). Cytogenetic location: 1p34.1.
Variant type: single nucleotide variant.
Coding change: c.758A>G on transcript NM_003579.4 (MANE Select); coding-DNA position 758, A replaced by G.
Protein change: p.Gln253Arg; replaces glutamine 253 with arginine.
Molecular consequence: missense variant.
Genome position (GRCh38, 1-based): chr1:46,261,007, A>G. VCF-style: chr1-46261007-A-G. GRCh37 (hg19) VCF-style: chr1-46726679-A-G.
Other names: c.758A>G, p.Gln253Arg (NM_001142548.2); c.218A>G, p.Gln73Arg (NM_001370766.1); short protein forms Q253R, Q73R.
Identifiers: ClinVar variation 1759643 (VCV001759643.3), dbSNP rs2525670556, ClinGen allele CA340188073.

ClinVar aggregate classification (germline): Uncertain significance (1 of 4 stars; one submission).

gnomAD v4.1: 1 of 1,613,376 alleles (0.000062%); highest among the groups gnomAD compares: Non-Finnish European, 0.000085%; no homozygotes.

Submission:

Ambry Genetics
Classification: Uncertain significance. Last evaluated: 2024-10-11. Review status: criteria provided, single submitter. Criteria: Ambry Variant Classification Scheme 2023. Collection method: clinical testing. Allele origin: germline.
Comment: The p.Q253R variant (also known as c.758A>G), located in coding exon 7 of the RAD54L gene, results from an A to G substitution at nucleotide position 758. The glutamine at codon 253 is replaced by arginine, an amino acid with highly similar properties. This amino acid position is conserved. In addition, this alteration is predicted to be tolerated by in silico analysis. Since supporting evidence is limited at this time, the clinical significance of this alteration remains unclear.